The following is an entry in ClinVar:

ClinVar aggregate classification (germline): Uncertain significance. Review status: criteria provided, multiple submitters, no conflicts (2 of 4 stars). 2 submissions from 2 submitters: Uncertain significance (2). Last evaluated 2025-08-08.

Conditions:
Inborn genetic diseases. Identifiers: MedGen C0950123, MeSH D030342.
Autosomal dominant nonsyndromic hearing loss 65. Also called: Deafness, autosomal dominant 65; TBC1D24-Related Autosomal Dominant Nonsyndromic Hearing Loss (DFNA). Identifiers: Orphanet 90635, MedGen C3892048, MONDO:0014470, OMIM 616044.
Developmental and epileptic encephalopathy, 1 (DEE1). Also called: INFANTILE SPASM SYNDROME, X-LINKED 1; X-linked infantile spasms; West's syndrome; Tonic spasms with clustering, arrest of psychomotor development and hypsarrhythmia on EEG; X-Linked Infantile Spasm Syndrome; OHTAHARA SYNDROME, X-LINKED. Identifiers: MedGen C3463992, MONDO:0010632, OMIM 308350. Disease mechanism: loss of function.

Submissions (2):

Ambry Genetics
Classification: Uncertain significance for Inborn genetic diseases. Last evaluated: 2025-08-08. Review status: criteria provided, single submitter. Criteria: Ambry Variant Classification Scheme 2023. Collection method: clinical testing. Allele origin: germline.

Labcorp Genetics (formerly Invitae), Labcorp
Classification: Uncertain significance for Developmental and epileptic encephalopathy, 1; Autosomal dominant nonsyndromic hearing loss 65. Last evaluated: 2025-06-03. Review status: criteria provided, single submitter. Criteria: Invitae Variant Classification Sherloc (09022015). Collection method: clinical testing. Allele origin: germline.
Comment: This sequence change replaces cysteine, which is neutral and slightly polar, with arginine, which is basic and polar, at codon 505 of the TBC1D24 protein (p.Cys505Arg). This variant is present in population databases (rs761300077, gnomAD 0.002%). This variant has not been reported in the literature in individuals affected with TBC1D24-related conditions. Invitae Evidence Modeling of protein sequence and biophysical properties (such as structural, functional, and spatial information, amino acid conservation, physicochemical variation, residue mobility, and thermodynamic stability) indicates that this missense variant is not expected to disrupt TBC1D24 protein function with a negative predictive value of 95%. In summary, the available evidence is currently insufficient to determine the role of this variant in disease. Therefore, it has been classified as a Variant of Uncertain Significance.

NM_001199107.2(TBC1D24):c.1513T>C (p.Cys505Arg)

Gene: TBC1D24 (TBC1 domain family member 24; plus strand). Cytogenetic location: 16p13.3.
Variant type: single nucleotide variant.
Coding change: c.1513T>C on transcript NM_001199107.2 (MANE Select); coding-DNA position 1513, T replaced by C.
Protein change: p.Cys505Arg; replaces cysteine 505 with arginine.
Molecular consequence: missense variant.
Genome position (GRCh38, 1-based): chr16:2,500,478, T>C. VCF-style: chr16-2500478-T-C. GRCh37 (hg19) VCF-style: chr16-2550479-T-C.
Other names: c.1495T>C, p.Cys499Arg (NM_020705.3); short protein forms C505R, C499R.
Identifiers: ClinVar variation 4180788 (VCV004180788.2).